The following is an entry in ClinVar:

ClinVar aggregate classification (germline): Uncertain significance (1 of 4 stars; one submission).

gnomAD v4.1: 2 of 1,611,880 alleles (0.00012%); highest among the groups gnomAD compares: South Asian, 0.0022%; no homozygotes.

Submission:

GeneDx
Classification: Uncertain significance. Last evaluated: 2025-08-12. Review status: criteria provided, single submitter. Criteria: GeneDx Variant Classification Process June 2021. Collection method: clinical testing. Allele origin: germline. Affected: yes.
Comment: Not observed at significant frequency in large population cohorts (gnomAD); This substitution is predicted to be within the extracellular loop between the S5 and S6 transmembrane segments of the first homologous domain; In silico analysis suggests that this missense variant does not alter protein structure/function; Has not been previously published as pathogenic or benign to our knowledge

NM_001040142.2(SCN2A):c.1030G>T (p.Ala344Ser)

Gene: SCN2A (sodium voltage-gated channel alpha subunit 2; plus strand). Cytogenetic location: 2q24.3.
Variant type: single nucleotide variant.
Coding change: c.1030G>T on transcript NM_001040142.2 (MANE Select); coding-DNA position 1030, G replaced by T.
Protein change: p.Ala344Ser; replaces alanine 344 with serine.
Molecular consequence: missense variant.
Genome position (GRCh38, 1-based): chr2:165,312,084, G>T. VCF-style: chr2-165312084-G-T. GRCh37 (hg19) VCF-style: chr2-166168594-G-T.
Other names: c.1030G>T, p.Ala344Ser (NM_001040143.2, NM_001371246.1, NM_001371247.1 and 1 more transcripts); short protein forms A344S.
Identifiers: ClinVar variation 4795747 (VCV004795747.1).